The following is an entry in ClinVar:

ClinVar aggregate classification (germline): Pathogenic/Likely pathogenic. Review status: criteria provided, multiple submitters, no conflicts (2 of 4 stars). 3 submissions from 3 submitters: Pathogenic (2); Likely pathogenic (1). Last evaluated 2025-05-12.

Conditions:
Neonatal-onset encephalopathy with rigidity and seizures. Also called: Lethal neonatal spasticity-epileptic encephalopathy syndrome. Identifiers: Orphanet 435845, MedGen C3281029, MONDO:0013784, OMIM 614498.

Allele frequency attached by ClinVar (database versions not stated): gnomAD exomes 0.00001; TOPMed 0.00001; ExAC 0.00002; gnomAD 0.00003.
gnomAD v4.1: 13 of 1,611,698 alleles (0.00081%); highest among the groups gnomAD compares: African/African-American, 0.004%; no homozygotes.

Submissions (3):

Labcorp Genetics (formerly Invitae), Labcorp
Classification: Pathogenic for Neonatal-onset encephalopathy with rigidity and seizures. Last evaluated: 2025-05-12. Review status: criteria provided, single submitter. Criteria: Invitae Variant Classification Sherloc (09022015). Collection method: clinical testing. Allele origin: germline.
Comment: This sequence change creates a premature translational stop signal (p.Arg562*) in the BRAT1 gene. It is expected to result in an absent or disrupted protein product. Loss-of-function variants in BRAT1 are known to be pathogenic (PMID: 22279524, 25500575). The frequency data for this variant in the population databases is considered unreliable, as metrics indicate poor data quality at this position in the gnomAD database. This variant has not been reported in the literature in individuals affected with BRAT1-related conditions. ClinVar contains an entry for this variant (Variation ID: 661637). Algorithms developed to predict the effect of sequence changes on RNA splicing suggest that this variant may disrupt the consensus splice site. For these reasons, this variant has been classified as Pathogenic.

GeneDx
Classification: Pathogenic. Last evaluated: 2024-08-08. Review status: criteria provided, single submitter. Criteria: GeneDx Variant Classification Process June 2021. Collection method: clinical testing. Allele origin: germline. Affected: yes.
Comment: Reported as a heterozygous variant in a patient with epilepsy; however, no further clinical or segregation information was provided and it is unclear if a second variant was identified (PMID: 31440721); Nonsense variant predicted to result in protein truncation or nonsense mediated decay in a gene for which loss of function is a known mechanism of disease; Not observed at significant frequency in large population cohorts (gnomAD); This variant is associated with the following publications: (PMID: 22279524, 27535533, 25500575, 31440721)

Revvity Omics, Revvity
Classification: Likely pathogenic. Last evaluated: 2021-04-21. Review status: criteria provided, single submitter. Criteria: ACMG Guidelines, 2015. Collection method: clinical testing. Allele origin: germline.

Literature cited by the submitters: PubMed 22279524 (cited by Labcorp Genetics (formerly Invitae), Labcorp); PubMed 25500575 (cited by Labcorp Genetics (formerly Invitae), Labcorp).

NM_152743.4(BRAT1):c.1684C>T (p.Arg562Ter)

Gene: BRAT1 (BRCA1 associated ATM activator 1; minus strand). Cytogenetic location: 7p22.3.
Variant type: single nucleotide variant.
Coding change: c.1684C>T on transcript NM_152743.4 (MANE Select); coding-DNA position 1684, C replaced by T.
Protein change: p.Arg562Ter; replaces arginine 562 with a stop codon.
Molecular consequence: nonsense. On other transcripts: non-coding transcript variant (1).
Genome position (GRCh38, 1-based): chr7:2,539,265, G>A on the plus strand (C>T on the coding strand, the complement: BRAT1 is on the minus strand). VCF-style: chr7-2539265-G-A. GRCh37 (hg19) VCF-style: chr7-2578899-G-A.
Other names: c.1684C>T, p.Arg562Ter (NM_001350626.2); c.1159C>T, p.Arg387Ter (NM_001350627.2); short protein forms R387*, R562*.
Identifiers: ClinVar variation 661637 (VCV000661637.13), dbSNP rs759216914, ClinGen allele CA4127629.
Genomic context (GRCh38, chr7:2,539,265, plus strand): 5'-TGGTGGGGGCGTGCAGGCCCTGGCTGGACAGCTGCCCCATGGCGGTCACTGCACTCGCTC[G>A]GACATAACTCTCAGGGTCCTGGAGGAGCTGCAGGGCCAGCTGAGGCACCTCTGAAGCCAA-3'